The following is an entry in ClinVar:

NM_152296.5(ATP1A3):c.1629T>C (p.Leu543=)

Gene: ATP1A3 (ATPase Na+/K+ transporting subunit alpha 3; minus strand). Cytogenetic location: 19q13.2.
Variant type: single nucleotide variant.
Coding change: c.1629T>C on transcript NM_152296.5 (MANE Select); coding-DNA position 1629, T replaced by C.
Protein change: p.Leu543=; no amino-acid change (leucine 543 retained).
Molecular consequence: synonymous variant.
Genome position (GRCh38, 1-based): chr19:41,978,607, A>G on the plus strand (T>C on the coding strand, the complement: ATP1A3 is on the minus strand). VCF-style: chr19-41978607-A-G. GRCh37 (hg19) VCF-style: chr19-42482759-A-G.
Other names: c.1662T>C, p.Leu554= (NM_001256213.2); c.1668T>C, p.Leu556= (NM_001256214.2).
Identifiers: ClinVar variation 2841251 (VCV002841251.3), dbSNP rs2514056261, ClinGen allele CA507694849.

ClinVar aggregate classification (germline): Uncertain significance (1 of 4 stars; one submission).

Conditions:
Dystonia 12 (DYT12). Also called: Rapid-Onset Dystonia-Parkinsonism (RDP); DYT-ATP1A3. Identifiers: Orphanet 71517, MedGen C1868681, MONDO:0007496, OMIM 128235.

Submission:

Labcorp Genetics (formerly Invitae), Labcorp
Classification: Uncertain significance for Dystonia 12. Last evaluated: 2023-03-02. Review status: criteria provided, single submitter. Criteria: Invitae Variant Classification Sherloc (09022015). Collection method: clinical testing. Allele origin: germline.
Comment: In summary, the available evidence is currently insufficient to determine the role of this variant in disease. Therefore, it has been classified as a Variant of Uncertain Significance. Algorithms developed to predict the effect of sequence changes on RNA splicing suggest that this variant is not likely to affect RNA splicing. This variant has not been reported in the literature in individuals affected with ATP1A3-related conditions. This variant is not present in population databases (gnomAD no frequency). This sequence change affects codon 543 of the ATP1A3 mRNA. It is a 'silent' change, meaning that it does not change the encoded amino acid sequence of the ATP1A3 protein. It affects a nucleotide within the consensus splice site.